The following is an entry in ClinVar:

ClinVar aggregate classification (germline): Likely benign (0 of 4 stars; one submission).

Conditions:
PHRF1-related disorder. Also called: PHRF1-related condition.

Submission:

PreventionGenetics, part of Exact Sciences
Classification: Likely benign for PHRF1-related condition. Last evaluated: 2020-07-28. Review status: no assertion criteria provided. Collection method: clinical testing. Allele origin: germline.
Comment: This variant is classified as likely benign based on ACMG/AMP sequence variant interpretation guidelines (Richards et al. 2015 PMID: 25741868, with internal and published modifications).

NM_001286581.2(PHRF1):c.3065_3066del (p.Arg1022fs)

Gene: PHRF1 (PHD and ring finger domains 1; plus strand). Cytogenetic location: 11p15.5.
Variant type: Microsatellite.
Coding change: c.3065_3066del on transcript NM_001286581.2 (MANE Select); coding-DNA positions 3065 to 3066, 2 bases deleted (GC; older notation c.3065_3066delGC).
Protein change: p.Arg1022fs; shifts the reading frame from arginine 1022.
Molecular consequence: frameshift variant.
Genome position (GRCh38, 1-based): chr11:608,521-608,522, GC deleted; deleting any 2 consecutive bases within chr11:608,518-608,522 gives the same sequence; the c. name uses the placement nearest the transcript's 3' end. VCF-style (leftmost placement, unchanged base first): chr11-608517-ACG-A. GRCh37 (hg19) VCF-style: chr11-608517-ACG-A.
Other names: c.3059_3060del, p.Arg1020fs (NM_001286582.2); c.3053_3054del, p.Arg1018fs (NM_001286583.2); c.3062_3063del, p.Arg1021fs (NM_020901.4); short protein forms R1018fs, R1020fs, R1021fs, R1022fs.
Identifiers: ClinVar variation 3051023 (VCV003051023.2), dbSNP rs370929509, ClinGen allele CA5782693.